The following is an entry in ClinVar:

NM_001148.6(ANK2):c.5623A>C (p.Thr1875Pro)

Genes: ANK2 (ankyrin 2; plus strand), LOC126807136 (MED14-independent group 3 enhancer GRCh37_chr4:114274931-114276130; plus strand). Cytogenetic location: 4q26.
Variant type: single nucleotide variant.
Coding change: c.5623A>C on transcript NM_001148.6 (MANE Select); coding-DNA position 5623, A replaced by C.
Protein change: p.Thr1875Pro; replaces threonine 1875 with proline.
Molecular consequence: missense variant. On other transcripts: intron variant (68).
Genome position (GRCh38, 1-based): chr4:113,354,241, A>C. VCF-style: chr4-113354241-A-C. GRCh37 (hg19) VCF-style: chr4-114275397-A-C.
Other names: c.5389A>C, p.Thr1797Pro (NM_001386142.1); c.2023A>C, p.Thr675Pro (NM_001386166.1); c.5764A>C, p.Thr1922Pro (NM_001386174.1); c.5740A>C, p.Thr1914Pro (NM_001386175.1); c.4411+3992A>C (NM_001386186.2, NM_001386148.2); c.4213+3992A>C (NM_001354269.3); c.4291+3992A>C (NM_001386187.2); c.4252+3992A>C (NM_001386147.1); and 35 more; short protein forms T1797P, T675P, T1914P, T1922P, T1875P.
Identifiers: ClinVar variation 4051348 (VCV004051348.1).

ClinVar aggregate classification (germline): Uncertain significance (1 of 4 stars; one submission).

Conditions:
Cardiovascular phenotype. Identifiers: MedGen CN230736.

gnomAD v4.1: 2 of 1,614,074 alleles (0.00012%); highest among the groups gnomAD compares: East Asian, 0.0022%; no homozygotes.

Submission:

Ambry Genetics
Classification: Uncertain significance for Cardiovascular phenotype. Last evaluated: 2025-06-01. Review status: criteria provided, single submitter. Criteria: Ambry Variant Classification Scheme 2023. Collection method: clinical testing. Allele origin: germline.
Comment: The p.T1875P variant (also known as c.5623A>C), located in coding exon 38 of the ANK2 gene, results from an A to C substitution at nucleotide position 5623. The threonine at codon 1875 is replaced by proline, an amino acid with highly similar properties. This amino acid position is conserved. In addition, this alteration is predicted to be tolerated by in silico analysis. Based on the available evidence, the clinical significance of this variant remains unclear.